The following is an entry in ClinVar:

NM_024611.6(ICE2):c.2079G>A (p.Pro693=)

Gene: ICE2 (interactor of little elongation complex ELL subunit 2; minus strand). Cytogenetic location: 15q22.2.
Variant type: single nucleotide variant.
Coding change: c.2079G>A on transcript NM_024611.6 (MANE Select); coding-DNA position 2079, G replaced by A.
Protein change: p.Pro693=; no amino-acid change (proline 693 retained).
Molecular consequence: synonymous variant. On other transcripts: non-coding transcript variant (1).
Genome position (GRCh38, 1-based): chr15:60,448,888, C>T on the plus strand (G>A on the coding strand, the complement: ICE2 is on the minus strand). VCF-style: chr15-60448888-C-T. GRCh37 (hg19) VCF-style: chr15-60741087-C-T.
Other names: c.1668G>A, p.Pro556= (NM_001018089.3).
Identifiers: ClinVar variation 3047191 (VCV003047191.2), dbSNP rs368391917, ClinGen allele CA7592854.

ClinVar aggregate classification (germline): Likely benign (0 of 4 stars; one submission).

Conditions:
ICE2-related disorder. Also called: ICE2-related condition.

Allele frequency attached by ClinVar (database versions not stated): gnomAD exomes 0.00004; ExAC 0.00008; ESP Exome Variant Server 0.00015; gnomAD 0.00021; TOPMed 0.00023; 1000 Genomes Project 30x 0.00031; 1000 Genomes Project 0.00040.

Submission:

PreventionGenetics, part of Exact Sciences
Classification: Likely benign for ICE2-related condition. Last evaluated: 2019-03-14. Review status: no assertion criteria provided. Collection method: clinical testing. Allele origin: germline.
Comment: This variant is classified as likely benign based on ACMG/AMP sequence variant interpretation guidelines (Richards et al. 2015 PMID: 25741868, with internal and published modifications).